The following is an entry in ClinVar:

NM_014956.5(CEP164):c.2644G>C (p.Gly882Arg)

Gene: CEP164 (centrosomal protein 164; plus strand). Cytogenetic location: 11q23.3.
Variant type: single nucleotide variant.
Coding change: c.2644G>C on transcript NM_014956.5 (MANE Select); coding-DNA position 2644, G replaced by C.
Protein change: p.Gly882Arg; replaces glycine 882 with arginine.
Molecular consequence: missense variant.
Genome position (GRCh38, 1-based): chr11:117,394,377, G>C. VCF-style: chr11-117394377-G-C. GRCh37 (hg19) VCF-style: chr11-117265093-G-C.
Other names: c.2653G>C, p.Gly885Arg (NM_001271933.2); short protein forms G882R, G885R.
Identifiers: ClinVar variation 2171505 (VCV002171505.2), dbSNP rs2542050476, ClinGen allele CA382727902.

ClinVar aggregate classification (germline): Uncertain significance (1 of 4 stars; one submission).

Conditions:
Nephronophthisis 15 (NPHP15). Identifiers: Orphanet 3156, MedGen C3541853, MONDO:0013917, OMIM 614845.

Submission:

Labcorp Genetics (formerly Invitae), Labcorp
Classification: Uncertain significance for Nephronophthisis 15. Last evaluated: 2022-06-14. Review status: criteria provided, single submitter. Criteria: Invitae Variant Classification Sherloc (09022015). Collection method: clinical testing. Allele origin: germline.
Comment: This sequence change replaces glycine, which is neutral and non-polar, with arginine, which is basic and polar, at codon 882 of the CEP164 protein (p.Gly882Arg). This variant is not present in population databases (gnomAD no frequency). In summary, the available evidence is currently insufficient to determine the role of this variant in disease. Therefore, it has been classified as a Variant of Uncertain Significance. Algorithms developed to predict the effect of missense changes on protein structure and function are either unavailable or do not agree on the potential impact of this missense change (SIFT: "Deleterious"; PolyPhen-2: "Benign"; Align-GVGD: "Class C0"). This variant has not been reported in the literature in individuals affected with CEP164-related conditions.